The following is an entry in ClinVar:

ClinVar aggregate classification (germline): Uncertain significance (1 of 4 stars; one submission).

Conditions:
Centromeric instability of chromosomes 1,9 and 16 and immunodeficiency (ICF1). Also called: CENTROMERIC INSTABILITY, IMMUNODEFICIENCY SYNDROME; Immunodeficiency-centromeric instability-facial anomalies; IMMUNE DEFICIENCY, VARIABLE, WITH CENTROMERIC INSTABILITY OF CHROMOSOMES 1, 9, AND 16; IMMUNODEFICIENCY SYNDROME, VARIABLE. Identifiers: Orphanet 2268, MedGen C0398788, MONDO:0000133.

Allele frequency attached by ClinVar (database versions not stated): gnomAD exomes below 0.00001; gnomAD 0.00001; TOPMed 0.00001.
gnomAD v4.1: 5 of 1,613,988 alleles (0.00031%); highest among the groups gnomAD compares: Non-Finnish European, 0.00042%; no homozygotes.

Submission:

Labcorp Genetics (formerly Invitae), Labcorp
Classification: Uncertain significance for Centromeric instability of chromosomes 1,9 and 16 and immunodeficiency. Last evaluated: 2022-02-08. Review status: criteria provided, single submitter. Criteria: Invitae Variant Classification Sherloc (09022015). Collection method: clinical testing. Allele origin: germline.
Comment: This sequence change replaces aspartic acid, which is acidic and polar, with asparagine, which is neutral and polar, at codon 706 of the DNMT3B protein (p.Asp706Asn). This variant is present in population databases (no rsID available, gnomAD 0.002%). This variant has not been reported in the literature in individuals affected with DNMT3B-related conditions. Algorithms developed to predict the effect of missense changes on protein structure and function are either unavailable or do not agree on the potential impact of this missense change (SIFT: "Deleterious"; PolyPhen-2: "Probably Damaging"; Align-GVGD: "Class C15"). In summary, the available evidence is currently insufficient to determine the role of this variant in disease. Therefore, it has been classified as a Variant of Uncertain Significance.

NM_006892.4(DNMT3B):c.2116G>A (p.Asp706Asn)

Gene: DNMT3B (DNA methyltransferase 3 beta; plus strand). Cytogenetic location: 20q11.21.
Variant type: single nucleotide variant.
Coding change: c.2116G>A on transcript NM_006892.4 (MANE Select); coding-DNA position 2116, G replaced by A.
Protein change: p.Asp706Asn; replaces aspartic acid 706 with asparagine.
Molecular consequence: missense variant.
Genome position (GRCh38, 1-based): chr20:32,801,397, G>A. VCF-style: chr20-32801397-G-A. GRCh37 (hg19) VCF-style: chr20-31389203-G-A.
Other names: c.1930G>A, p.Asp644Asn (NM_001207055.2); c.1828G>A, p.Asp610Asn (NM_001207056.2); c.2056G>A, p.Asp686Asn (NM_175848.2, NM_175849.2); c.2092G>A, p.Asp698Asn (NM_175850.3); short protein forms D610N, D698N, D644N, D706N, D686N.
Identifiers: ClinVar variation 1347553 (VCV001347553.5), dbSNP rs996239307, ClinGen allele CA313155638.